The following is an entry in ClinVar:

ClinVar aggregate classification (germline): Uncertain significance (1 of 4 stars; one submission).

Conditions:
Cystic fibrosis (CF). Also called: MUCOVISCIDOSIS. Identifiers: Orphanet 586, MedGen C0010674, MONDO:0009061, OMIM 219700. Disease mechanism: loss of function.

gnomAD v4.1: 1 of 1,611,950 alleles (0.000062%); highest among the groups gnomAD compares: Admixed American, 0.0017%; no homozygotes.

Submission:

Ambry Genetics
Classification: Uncertain significance for Cystic fibrosis. Last evaluated: 2024-05-25. Review status: criteria provided, single submitter. Criteria: Ambry Variant Classification Scheme 2023. Collection method: clinical testing. Allele origin: germline.
Comment: The p.T547A variant (also known as c.1639A>G), located in coding exon 12 of the CFTR gene, results from an A to G substitution at nucleotide position 1639. The threonine at codon 547 is replaced by alanine, an amino acid with similar properties. This amino acid position is conserved. In addition, this alteration is predicted to be deleterious by in silico analysis. Based on the available evidence, the clinical significance of this variant remains unclear.

NM_000492.4(CFTR):c.1639A>G (p.Thr547Ala)

Genes: CFTR (CF transmembrane conductance regulator; plus strand), LOC111674475 (CFTR intron 11 enhancer; plus strand). Cytogenetic location: 7q31.2.
Variant type: single nucleotide variant.
Coding change: c.1639A>G on transcript NM_000492.4 (MANE Select); coding-DNA position 1639, A replaced by G.
Protein change: p.Thr547Ala; replaces threonine 547 with alanine.
Molecular consequence: missense variant.
Genome position (GRCh38, 1-based): chr7:117,587,793, A>G. VCF-style: chr7-117587793-A-G. GRCh37 (hg19) VCF-style: chr7-117227847-A-G.
Other names: short protein forms T547A.
Identifiers: ClinVar variation 3266687 (VCV003266687.1).